The following is an entry in ClinVar:

NM_001128178.3(NPHP1):c.1246_1252del (p.Leu416fs)

Gene: NPHP1 (nephrocystin 1; minus strand). Cytogenetic location: 2q13.
Variant type: Deletion.
Coding change: c.1246_1252del on transcript NM_001128178.3 (MANE Select); coding-DNA positions 1246 to 1252, 7 bases deleted (CTTGGAA; older notation c.1246_1252delCTTGGAA).
Protein change: p.Leu416fs; shifts the reading frame from leucine 416.
Molecular consequence: frameshift variant.
Genome position (GRCh38, 1-based): chr2:110,147,933-110,147,939, TTCCAAG deleted on the plus strand (CTTGGAA on the coding strand, the reverse complement: NPHP1 is on the minus strand); deleting any 7 consecutive bases within chr2:110,147,933-110,147,942 gives the same sequence; the c. name uses the placement nearest the transcript's 3' end. VCF-style (leftmost placement, unchanged base first): chr2-110147932-ATTCCAAG-A. GRCh37 (hg19) VCF-style: chr2-110905509-ATTCCAAG-A.
Other names: c.1414_1420del, p.Leu472fs (NM_000272.5); c.1057_1063del, p.Leu353fs (NM_001128179.3); c.1243_1249del, p.Leu415fs (NM_001374256.1); c.1246_1252del, p.Leu416fs (NM_001374257.1); c.1411_1417del, p.Leu471fs (NM_207181.4); short protein forms L415fs, L472fs, L416fs, L353fs, L471fs.
Identifiers: ClinVar variation 2079871 (VCV002079871.4), dbSNP rs2467259343, ClinGen allele CA2577067293.

ClinVar aggregate classification (germline): Pathogenic (1 of 4 stars; one submission).

Conditions:
Nephronophthisis. Also called: Juvenile Nephronophthisis. Identifiers: Orphanet 655, MedGen C0687120, MONDO:0019005, HP:0000090.

Submission:

Labcorp Genetics (formerly Invitae), Labcorp
Classification: Pathogenic for Nephronophthisis. Last evaluated: 2022-10-04. Review status: criteria provided, single submitter. Criteria: Invitae Variant Classification Sherloc (09022015). Collection method: clinical testing. Allele origin: germline.
Comment: This sequence change creates a premature translational stop signal (p.Leu472Phefs*14) in the NPHP1 gene. It is expected to result in an absent or disrupted protein product. Loss-of-function variants in NPHP1 are known to be pathogenic (PMID: 23559409). This variant is not present in population databases (gnomAD no frequency). This variant has not been reported in the literature in individuals affected with NPHP1-related conditions. Algorithms developed to predict the effect of sequence changes on RNA splicing suggest that this variant may disrupt the consensus splice site. For these reasons, this variant has been classified as Pathogenic.

Literature cited by the submitters: PubMed 23559409.